The following is an entry in ClinVar:

ClinVar aggregate classification (germline): Benign/Likely benign. Review status: criteria provided, multiple submitters, no conflicts (2 of 4 stars). 9 submissions from 9 submitters: Benign (1); Likely benign (4). 4 of the submissions do not count toward it. Last evaluated 2025-12-14.

Conditions:
Cardiovascular phenotype. Identifiers: MedGen CN230736.
Dilated cardiomyopathy 1JJ (CMD1JJ). Identifiers: Orphanet 154, MedGen C3808935, MONDO:0014095, OMIM 615235.

Allele frequency attached by ClinVar (database versions not stated): ExAC 0.00010; gnomAD 0.00013 and 0.00014; TOPMed 0.00016; ESP Exome Variant Server 0.00023.
gnomAD v4.1: 206 of 1,608,932 alleles (0.013%); highest among the groups gnomAD compares: Admixed American, 0.028%; no homozygotes.

Submissions (9):

Labcorp Genetics (formerly Invitae), Labcorp
Classification: Likely benign for Dilated cardiomyopathy 1JJ. Last evaluated: 2025-12-14. Review status: criteria provided, single submitter. Criteria: Invitae Variant Classification Sherloc (09022015). Collection method: clinical testing. Allele origin: germline.

Women's Health and Genetics/Laboratory Corporation of America, LabCorp
Classification: Benign. Last evaluated: 2024-11-19. Review status: criteria provided, single submitter. Criteria: LabCorp Variant Classification Summary - May 2015. Collection method: clinical testing. Allele origin: germline.

Ambry Genetics
Classification: Likely benign for Cardiovascular phenotype. Last evaluated: 2022-09-26. Review status: criteria provided, single submitter. Criteria: Ambry Variant Classification Scheme 2023. Collection method: clinical testing. Allele origin: germline.

GeneDx
Classification: Likely benign. Last evaluated: 2020-10-22. Review status: criteria provided, single submitter. Criteria: GeneDx Variant Classification Process June 2021. Collection method: clinical testing. Allele origin: germline. Affected: yes.

Laboratory for Molecular Medicine, Mass General Brigham Personalized Medicine
Classification: Likely benign. Last evaluated: 2011-10-11. Review status: criteria provided, single submitter. Criteria: LMM Criteria. Collection method: clinical testing. Allele origin: germline. Observed: 2 variant alleles.
Comment: Ala551Ala in exon 14 of LAMA4: This variant has been reported in dbSNP without f requency information (rs150809897). It does not change an amino acid and does n ot affect the splice consensus sequence. This makes a disease causing role very unlikely.

Clinical Genetics DNA and cytogenetics Diagnostics Lab, Erasmus MC, Erasmus Medical Center
Classification: Likely benign. Review status: no assertion criteria provided. Collection method: clinical testing. Allele origin: germline. Affected: yes. Study: VKGL Data-share Consensus. Not counted in ClinVar's aggregate classification.

Clinical Genetics, Academic Medical Center
Classification: Benign. Review status: no assertion criteria provided. Collection method: clinical testing. Allele origin: germline. Affected: yes. Study: VKGL Data-share Consensus. Not counted in ClinVar's aggregate classification.

Diagnostic Laboratory, Department of Genetics, University Medical Center Groningen
Classification: Likely benign for Dilated cardiomyopathy 1JJ. Review status: no assertion criteria provided. Collection method: clinical testing. Allele origin: germline. Affected: yes. Study: VKGL Data-share Consensus. Not counted in ClinVar's aggregate classification.

Joint Genome Diagnostic Labs from Nijmegen and Maastricht, Radboudumc and MUMC+
Classification: Likely benign. Review status: no assertion criteria provided. Collection method: clinical testing. Allele origin: germline. Affected: yes. Study: VKGL Data-share Consensus. Not counted in ClinVar's aggregate classification.

NM_001105206.3(LAMA4):c.1674G>A (p.Ala558=)

Gene: LAMA4 (laminin subunit alpha 4; minus strand). Cytogenetic location: 6q21.
Variant type: single nucleotide variant.
Coding change: c.1674G>A on transcript NM_001105206.3 (MANE Select); coding-DNA position 1674, G replaced by A.
Protein change: p.Ala558=; no amino-acid change (alanine 558 retained).
Molecular consequence: synonymous variant.
Genome position (GRCh38, 1-based): chr6:112,158,875, C>T on the plus strand (G>A on the coding strand, the complement: LAMA4 is on the minus strand). VCF-style: chr6-112158875-C-T. GRCh37 (hg19) VCF-style: chr6-112480077-C-T.
Other names: c.1653G>A, p.Ala551= (NM_001105207.3, NM_002290.5).
Identifiers: ClinVar variation 44350 (VCV000044350.32), dbSNP rs150809897, ClinGen allele CA134010.